The following is an entry in ClinVar:

NM_001297.5(CNGB1):c.2470G>C (p.Val824Leu)

Gene: CNGB1 (cyclic nucleotide gated channel subunit beta 1; minus strand). Cytogenetic location: 16q21.
Variant type: single nucleotide variant.
Coding change: c.2470G>C on transcript NM_001297.5 (MANE Select); coding-DNA position 2470, G replaced by C.
Protein change: p.Val824Leu; replaces valine 824 with leucine.
Molecular consequence: missense variant.
Genome position (GRCh38, 1-based): chr16:57,911,775, C>G on the plus strand (G>C on the coding strand, the complement: CNGB1 is on the minus strand). VCF-style: chr16-57911775-C-G. GRCh37 (hg19) VCF-style: chr16-57945679-C-G.
Other names: c.2452G>C, p.Val818Leu (NM_001286130.2); short protein forms V818L, V824L.
Identifiers: ClinVar variation 1514810 (VCV001514810.5), dbSNP rs747921487, ClinGen allele CA8083001.

ClinVar aggregate classification (germline): Uncertain significance (1 of 4 stars; one submission).

Allele frequency attached by ClinVar (database versions not stated): gnomAD 0.00001; TOPMed below 0.00001.
gnomAD v4.1: 16 of 1,613,974 alleles (0.00099%); highest among the groups gnomAD compares: African/African-American, 0.0013%; no homozygotes.

Submission:

Labcorp Genetics (formerly Invitae), Labcorp
Classification: Uncertain significance. Last evaluated: 2022-03-20. Review status: criteria provided, single submitter. Criteria: Invitae Variant Classification Sherloc (09022015). Collection method: clinical testing. Allele origin: germline.
Comment: This sequence change replaces valine, which is neutral and non-polar, with leucine, which is neutral and non-polar, at codon 824 of the CNGB1 protein (p.Val824Leu). This variant is present in population databases (rs747921487, gnomAD 0.002%). This variant has not been reported in the literature in individuals affected with CNGB1-related conditions. Advanced modeling of protein sequence and biophysical properties (such as structural, functional, and spatial information, amino acid conservation, physicochemical variation, residue mobility, and thermodynamic stability) performed at Invitae indicates that this missense variant is expected to disrupt CNGB1 protein function. In summary, the available evidence is currently insufficient to determine the role of this variant in disease. Therefore, it has been classified as a Variant of Uncertain Significance.